The following is an entry in ClinVar:

ClinVar aggregate classification (germline): Benign. Review status: criteria provided, multiple submitters, no conflicts (2 of 4 stars). 2 submissions from 2 submitters: Benign (2). Last evaluated 2018-01-12.

Conditions:
Autosomal recessive nonsyndromic hearing loss 9. Also called: Deafness, autosomal recessive 9; NEUROSENSORY NONSYNDROMIC RECESSIVE DEAFNESS 9; OTOF-Related Hearing Loss; AUDITORY NEUROPATHY, AUTOSOMAL RECESSIVE, 1, TEMPERATURE-SENSITIVE. Identifiers: Orphanet 90636, MedGen C1832828, MONDO:0010986, OMIM 601071.

Allele frequency attached by ClinVar (database versions not stated): gnomAD exomes 0.00558; gnomAD 0.04541 and 0.04838; 1000 Genomes Project 0.04932; 1000 Genomes Project 30x 0.05075; TOPMed 0.05096.
gnomAD v4.1: 6,852 of 153,904 alleles (4.5%); highest among the groups gnomAD compares: African/African-American, 15%; 479 homozygotes.

Submissions (2):

Illumina Laboratory Services, Illumina
Classification: Benign for Autosomal recessive nonsyndromic hearing loss 9. Last evaluated: 2018-01-12. Review status: criteria provided, single submitter. Criteria: ICSL Variant Classification Criteria 13 December 2019. Collection method: clinical testing. Allele origin: germline.
Comment: This variant was observed in the ICSL laboratory as part of a predisposition screen in an ostensibly healthy population. It had not been previously curated by ICSL or reported in the Human Gene Mutation Database (HGMD: prior to June 1st, 2018), and was therefore a candidate for classification through an automated scoring system. Utilizing variant allele frequency, disease prevalence and penetrance estimates, and inheritance mode, an automated score was calculated to assess if this variant is too frequent to cause the disease. Based on the score and internal cut-off values, a variant classified as benign is not then subjected to further curation. The score for this variant resulted in a classification of benign for this disease.

Breakthrough Genomics
Classification: Benign. Review status: criteria provided, single submitter. Criteria: ACMG Guidelines, 2015. Collection method: not provided. Allele origin: germline. Inheritance: Autosomal recessive inheritance. Affected: yes.

NM_194248.3(OTOF):c.*696A>G

Gene: OTOF (otoferlin; minus strand). Cytogenetic location: 2p23.3.
Variant type: single nucleotide variant.
Coding change: c.*696A>G on transcript NM_194248.3 (MANE Select); 696 bases downstream of the stop codon, A replaced by G.
Molecular consequence: 3 prime UTR variant.
Genome position (GRCh38, 1-based): chr2:26,457,542, T>C on the plus strand (A>G on the coding strand, the complement: OTOF is on the minus strand). VCF-style: chr2-26457542-T-C. GRCh37 (hg19) VCF-style: chr2-26680410-T-C.
Other names: c.*498A>G (NM_001287489.2, NM_194323.3); c.*696A>G (NM_004802.4, NM_194322.3).
Identifiers: ClinVar variation 335423 (VCV000335423.6), dbSNP rs55744034, ClinGen allele CA10613394.